The following is an entry in ClinVar:

NM_207391.3(RGS9BP):c.574G>C (p.Gly192Arg)

Gene: RGS9BP (regulator of G protein signaling 9 binding protein; plus strand). Cytogenetic location: 19q13.11.
Variant type: single nucleotide variant.
Coding change: c.574G>C on transcript NM_207391.3 (MANE Select); coding-DNA position 574, G replaced by C.
Protein change: p.Gly192Arg; replaces glycine 192 with arginine.
Molecular consequence: missense variant.
Genome position (GRCh38, 1-based): chr19:32,676,837, G>C. VCF-style: chr19-32676837-G-C. GRCh37 (hg19) VCF-style: chr19-33167743-G-C.
Other names: short protein forms G192R.
Identifiers: ClinVar variation 1466797 (VCV001466797.4), dbSNP rs1359144416, ClinGen allele CA405187203.

ClinVar aggregate classification (germline): Uncertain significance (1 of 4 stars; one submission).

Allele frequency attached by ClinVar (database versions not stated): TOPMed below 0.00001.

Submission:

Labcorp Genetics (formerly Invitae), Labcorp
Classification: Uncertain significance. Last evaluated: 2025-09-02. Review status: criteria provided, single submitter. Criteria: Invitae Variant Classification Sherloc (09022015). Collection method: clinical testing. Allele origin: germline.
Comment: This sequence change replaces glycine, which is neutral and non-polar, with arginine, which is basic and polar, at codon 192 of the RGS9BP protein (p.Gly192Arg). This variant is not present in population databases (gnomAD no frequency). This variant has not been reported in the literature in individuals affected with RGS9BP-related conditions. ClinVar contains an entry for this variant (Variation ID: 1466797). An algorithm developed to predict the effect of missense changes on protein structure and function outputs the following: PolyPhen-2: "Benign". The arginine amino acid residue is found in multiple mammalian species, which suggests that this missense change does not adversely affect protein function. In summary, the available evidence is currently insufficient to determine the role of this variant in disease. Therefore, it has been classified as a Variant of Uncertain Significance.